The following is an entry in ClinVar:

NM_004320.6(ATP2A1):c.440del (p.Pro147fs)

Gene: ATP2A1 (ATPase sarcoplasmic/endoplasmic reticulum Ca2+ transporting 1; plus strand). Cytogenetic location: 16p11.2.
Variant type: Deletion.
Coding change: c.440del on transcript NM_004320.6 (MANE Select); coding-DNA position 440, one base deleted (C; older notation c.440delC).
Protein change: p.Pro147fs; shifts the reading frame from proline 147.
Molecular consequence: frameshift variant.
Genome position (GRCh38, 1-based): chr16:28,882,566, C deleted; the last of 3 consecutive C bases (chr16:28,882,564-28,882,566); deleting any one gives the same sequence. VCF-style (leftmost placement, unchanged base first): chr16-28882563-TC-T. GRCh37 (hg19) VCF-style: chr16-28893884-TC-T.
Other names: c.65del, p.Pro22fs (NM_001286075.2); c.440del, p.Pro147fs (NM_173201.5); c.440del (NM_173201.4); short protein forms P22fs, P147fs.
Identifiers: ClinVar variation 17805 (VCV000017805.8), dbSNP rs748241465, ClinGen allele CA7986643.

ClinVar aggregate classification (germline): Pathogenic. Review status: criteria provided, multiple submitters, no conflicts (2 of 4 stars). 3 submissions from 3 submitters: Pathogenic (2). 1 of the submissions does not count toward it. Last evaluated 2023-11-27.

Conditions:
Brody myopathy. Also called: BRODY DISEASE. Identifiers: Orphanet 53347, MedGen C1832918, MONDO:0010977, OMIM 601003.

Submissions (3):

Revvity Omics, Revvity
Classification: Pathogenic for Brody myopathy. Last evaluated: 2023-11-27. Review status: criteria provided, single submitter. Criteria: ACMG Guidelines, 2015. Collection method: clinical testing. Allele origin: germline.

Labcorp Genetics (formerly Invitae), Labcorp
Classification: Pathogenic for Brody myopathy. Last evaluated: 2023-11-19. Review status: criteria provided, single submitter. Criteria: Invitae Variant Classification Sherloc (09022015). Collection method: clinical testing. Allele origin: germline.
Comment: This sequence change creates a premature translational stop signal (p.Pro147Leufs*34) in the ATP2A1 gene. It is expected to result in an absent or disrupted protein product. Loss-of-function variants in ATP2A1 are known to be pathogenic (PMID: 8841193, 10914677, 23911890). This variant is present in population databases (rs748241465, gnomAD 0.003%). This premature translational stop signal has been observed in individual(s) with Brody disease (PMID: 9367679). It has also been observed to segregate with disease in related individuals. This variant is also known as deletion of C438. ClinVar contains an entry for this variant (Variation ID: 17805). For these reasons, this variant has been classified as Pathogenic.

OMIM
Classification: Pathogenic for BRODY DISEASE. Last evaluated: 1997-11-01. Review status: no assertion criteria provided. Collection method: literature only. Allele origin: germline. Not counted in ClinVar's aggregate classification.

Literature cited by the submitters: PubMed 8841193 (cited by Labcorp Genetics (formerly Invitae), Labcorp); PubMed 10914677 (cited by Labcorp Genetics (formerly Invitae), Labcorp); PubMed 23911890 (cited by Labcorp Genetics (formerly Invitae), Labcorp); PubMed 9367679 (cited by Labcorp Genetics (formerly Invitae), Labcorp and OMIM).